The following is an entry in ClinVar:

ClinVar aggregate classification (germline): Likely benign. Review status: criteria provided, multiple submitters, no conflicts (2 of 4 stars). 3 submissions from 3 submitters: Likely benign (3). Last evaluated 2026-01-25.

Allele frequency attached by ClinVar (database versions not stated): gnomAD exomes 0.00002 and 0.00005; ExAC 0.00008; 1000 Genomes Project 30x 0.00016; 1000 Genomes Project 0.00020; TOPMed 0.00025; gnomAD 0.00026 and 0.00028; ESP Exome Variant Server 0.00031.
gnomAD v4.1: 68 of 1,612,472 alleles (0.0042%); highest among the groups gnomAD compares: African/African-American, 0.085%; 1 homozygote.

Submissions (3):

Labcorp Genetics (formerly Invitae), Labcorp
Classification: Likely benign. Last evaluated: 2026-01-25. Review status: criteria provided, single submitter. Criteria: Invitae Variant Classification Sherloc (09022015). Collection method: clinical testing. Allele origin: germline.

GeneDx
Classification: Likely benign. Last evaluated: 2017-07-11. Review status: criteria provided, single submitter. Criteria: GeneDx Variant Classification (06012015). Collection method: clinical testing. Allele origin: germline. Affected: yes.
Comment: This variant is considered likely benign or benign based on one or more of the following criteria: it is a conservative change, it occurs at a poorly conserved position in the protein, it is predicted to be benign by multiple in silico algorithms, and/or has population frequency not consistent with disease.

Breakthrough Genomics
Classification: Likely benign. Review status: criteria provided, single submitter. Criteria: ACMG Guidelines, 2015. Collection method: not provided. Allele origin: germline. Inheritance: Autosomal recessive inheritance. Affected: yes.

NM_024407.5(NDUFS7):c.327C>T (p.Val109=)

Gene: NDUFS7 (NADH:ubiquinone oxidoreductase core subunit S7; plus strand). Cytogenetic location: 19p13.3.
Variant type: single nucleotide variant.
Coding change: c.327C>T on transcript NM_024407.5 (MANE Select); coding-DNA position 327, C replaced by T.
Protein change: p.Val109=; no amino-acid change (valine 109 retained).
Molecular consequence: synonymous variant.
Genome position (GRCh38, 1-based): chr19:1,390,969, C>T. VCF-style: chr19-1390969-C-T. GRCh37 (hg19) VCF-style: chr19-1390968-C-T.
Other names: c.327C>T, p.Val109= (NM_001363602.2).
Identifiers: ClinVar variation 518099 (VCV000518099.7), dbSNP rs150286318, ClinGen allele CA9043333.